The following is an entry in ClinVar:

ClinVar aggregate classification (germline): Conflicting classifications of pathogenicity. Review status: criteria provided, conflicting classifications (1 of 4 stars). 3 submissions from 3 submitters: Pathogenic (1); Uncertain significance (2). Last evaluated 2024-04-25.

Allele frequency attached by ClinVar (database versions not stated): gnomAD 0.00001; TOPMed 0.00003.

Submissions (3):

Labcorp Genetics (formerly Invitae), Labcorp
Classification: Pathogenic. Last evaluated: 2024-04-25. Review status: criteria provided, single submitter. Criteria: Invitae Variant Classification Sherloc (09022015). Collection method: clinical testing. Allele origin: germline.
Comment: This sequence change falls in intron 5 of the OCA2 gene. It does not directly change the encoded amino acid sequence of the OCA2 protein. It affects a nucleotide within the consensus splice site. This variant is not present in population databases (gnomAD no frequency). This variant has been observed in individual(s) with clinical features of oculocutaneous albinism (Invitae). In at least one individual the data is consistent with being in trans (on the opposite chromosome) from a pathogenic variant. ClinVar contains an entry for this variant (Variation ID: 1337498). Variants that disrupt the consensus splice site are a relatively common cause of aberrant splicing (PMID: 17576681, 9536098). Algorithms developed to predict the effect of sequence changes on RNA splicing suggest that this variant may disrupt the consensus splice site. For these reasons, this variant has been classified as Pathogenic.

Blueprint Genetics
Classification: Uncertain significance. Last evaluated: 2022-10-14. Review status: criteria provided, single submitter. Criteria: ACMG Guidelines, 2015. Collection method: clinical testing. Allele origin: germline.

Genetic Services Laboratory, University of Chicago
Classification: Uncertain significance. Last evaluated: 2020-01-16. Review status: criteria provided, single submitter. Criteria: ACMG Guidelines, 2015. Collection method: clinical testing. Allele origin: germline. Affected: no.
Comment: DNA sequence analysis of the OCA2 gene demonstrated a sequence change in intron 5, c.573+5G>A. This change does not appear to have been previously described in patients with OCA2-related disorders and has also not been described in population databases (gnomAD, ExAC). In silico splice prediction programs suggest a slight change in splicing for this sequence change. It is possible that this sequence change represents a benign sequence change in the OCA2 gene that has not been identified to date. The functional significance of this sequence change is not known at present and its contribution to this patient's disease phenotype cannot definitively be determined.

Literature cited by the submitters: PubMed 17576681 (cited by Labcorp Genetics (formerly Invitae), Labcorp); PubMed 9536098 (cited by Labcorp Genetics (formerly Invitae), Labcorp).

NM_000275.3(OCA2):c.573+5G>A

Gene: OCA2 (OCA2 melanosomal transmembrane protein; minus strand). Cytogenetic location: 15q13.1.
Variant type: single nucleotide variant.
Coding change: c.573+5G>A on transcript NM_000275.3 (MANE Select); 5 bases into the intron after coding-DNA position 573, G replaced by A.
Molecular consequence: intron variant.
Genome position (GRCh38, 1-based): chr15:28,024,840, C>T on the plus strand (G>A on the coding strand, the complement: OCA2 is on the minus strand). VCF-style: chr15-28024840-C-T. GRCh37 (hg19) VCF-style: chr15-28269986-C-T.
Other names: c.573+5G>A (NM_001300984.2).
Identifiers: ClinVar variation 1337498 (VCV001337498.10), dbSNP rs1432628513, ClinGen allele CA711724988.
Genomic context (GRCh38, chr15:28,024,840, plus strand): 5'-ACAGCCAAAGGCACACAGGGCTTCCACGGACCCAACAGTAGTGCTGGGGCAGCTAAGGTA[C>T]TCACAGAACACAGCACCACAAAGGCAAACAGGCCCATGACTTTCAGCCACTGCACACAGC-3'